The following is an entry in ClinVar:

ClinVar aggregate classification (germline): Conflicting classifications of pathogenicity. Review status: criteria provided, conflicting classifications (1 of 4 stars). 3 submissions from 3 submitters: Uncertain significance (1); Likely benign (2). Last evaluated 2026-08-13.

Conditions:
MYO7A-related disorder. Also called: MYO7A-related disorders.

Allele frequency attached by ClinVar (database versions not stated): gnomAD exomes below 0.00001 and 0.00001; ExAC 0.00002; gnomAD 0.00002 and 0.00003; TOPMed 0.00012; 1000 Genomes Project 30x 0.00031; 1000 Genomes Project 0.00040.
gnomAD v4.1: 12 of 1,607,356 alleles (0.00075%); highest among the groups gnomAD compares: Admixed American, 0.02%; no homozygotes.

Submissions (3):

PreventionGenetics, part of Exact Sciences
Classification: Likely benign for MYO7A-related condition. Last evaluated: 2026-08-13. Review status: criteria provided, single submitter. Criteria: ACMG Guidelines, 2015. Collection method: clinical testing. Allele origin: germline.
Comment: This variant is classified as likely benign based on ACMG/AMP sequence variant interpretation guidelines (Richards et al. 2015 PMID: 25741868, with internal and published modifications).

GeneDx
Classification: Uncertain significance. Last evaluated: 2026-07-28. Review status: criteria provided, single submitter. Criteria: GeneDx Variant Classification Process June 2021. Collection method: clinical testing. Allele origin: germline.
Comment: Reported in a patient with Usher syndrome in published literature; clinical and molecular data are limited (PMID: 10930322); In silico analysis suggests that this variant does not alter splicing; This variant is associated with the following publications: (PMID: 10930322)

Labcorp Genetics (formerly Invitae), Labcorp
Classification: Likely benign. Last evaluated: 2025-08-18. Review status: criteria provided, single submitter. Criteria: Invitae Variant Classification Sherloc (09022015). Collection method: clinical testing. Allele origin: germline.

NM_000260.4(MYO7A):c.5547C>A (p.Ile1849=)

Gene: MYO7A (myosin VIIA; plus strand). Cytogenetic location: 11q13.5.
Variant type: single nucleotide variant.
Coding change: c.5547C>A on transcript NM_000260.4 (MANE Select); coding-DNA position 5547, C replaced by A.
Protein change: p.Ile1849=; no amino-acid change (isoleucine 1849 retained).
Molecular consequence: synonymous variant.
Genome position (GRCh38, 1-based): chr11:77,205,528, C>A. VCF-style: chr11-77205528-C-A. GRCh37 (hg19) VCF-style: chr11-76916573-C-A.
Other names: c.5433C>A, p.Ile1811= (NM_001127180.2); c.5400C>A, p.Ile1800= (NM_001369365.1).
Identifiers: ClinVar variation 1161168 (VCV001161168.12), dbSNP rs548939171, ClinGen allele CA6198739.